The following is an entry in ClinVar:

NM_173798.4(ZCCHC12):c.97C>A (p.Leu33Ile)

Gene: ZCCHC12 (zinc finger CCHC-type containing 12; plus strand). Cytogenetic location: Xq24.
Variant type: single nucleotide variant.
Coding change: c.97C>A on transcript NM_173798.4 (MANE Select); coding-DNA position 97, C replaced by A.
Protein change: p.Leu33Ile; replaces leucine 33 with isoleucine.
Molecular consequence: missense variant.
Genome position (GRCh38, 1-based): chrX:118,825,341, C>A. VCF-style: chrX-118825341-C-A. GRCh37 (hg19) VCF-style: chrX-117959304-C-A.
Other names: c.97C>A, p.Leu33Ile (NM_001312891.2); short protein forms L33I.
Identifiers: ClinVar variation 2379146 (VCV002379146.26), dbSNP rs776795981, ClinGen allele CA10500231.

ClinVar aggregate classification (germline): Conflicting classifications of pathogenicity. Review status: criteria provided, conflicting classifications (1 of 4 stars). 2 submissions from 2 submitters: Uncertain significance (1); Likely benign (1). Last evaluated 2022-12-01.

Allele frequency attached by ClinVar (database versions not stated): TOPMed 0.00003; gnomAD 0.00004; gnomAD exomes 0.00005; ExAC 0.00006.

Submissions (2):

CeGaT Center for Human Genetics Tuebingen
Classification: Likely benign. Last evaluated: 2022-12-01. Review status: criteria provided, single submitter. Criteria: CeGaT Center For Human Genetics Tuebingen Variant Classification Criteria Version 2. Collection method: clinical testing. Allele origin: germline. Affected: yes. Observed: 1 variant allele.
Comment: ZCCHC12: BS2

Ambry Genetics
Classification: Uncertain significance. Last evaluated: 2022-10-05. Review status: criteria provided, single submitter. Criteria: Ambry Variant Classification Scheme 2023. Collection method: clinical testing. Allele origin: germline.